The following is an entry in ClinVar:

ClinVar aggregate classification (germline): Uncertain significance (1 of 4 stars; one submission).

Conditions:
Hereditary cancer-predisposing syndrome. Also called: Tumor predisposition; Hereditary neoplastic syndrome; Hereditary Cancer Syndrome; Neoplastic Syndromes, Hereditary. Identifiers: Orphanet 140162, MedGen C0027672, MeSH D009386, MONDO:0015356.

Allele frequency attached by ClinVar (database versions not stated): gnomAD exomes below 0.00001; ExAC 0.00001; ESP Exome Variant Server 0.00008.
gnomAD v4.1: 7 of 1,614,196 alleles (0.00043%); highest among the groups gnomAD compares: Non-Finnish European, 0.00034%; no homozygotes.

Submission:

Ambry Genetics
Classification: Uncertain significance for Hereditary cancer-predisposing syndrome. Last evaluated: 2023-12-04. Review status: criteria provided, single submitter. Criteria: Ambry Variant Classification Scheme 2023. Collection method: clinical testing. Allele origin: germline.
Comment: The p.G163A variant (also known as c.488G>C), located in coding exon 3 of the XRCC2 gene, results from a G to C substitution at nucleotide position 488. The glycine at codon 163 is replaced by alanine, an amino acid with similar properties. This amino acid position is conserved. In addition, the in silico prediction for this alteration is inconclusive. Since supporting evidence is limited at this time, the clinical significance of this alteration remains unclear.

NM_005431.2(XRCC2):c.488G>C (p.Gly163Ala)

Gene: XRCC2 (X-ray repair cross complementing 2; minus strand). Cytogenetic location: 7q36.1.
Variant type: single nucleotide variant.
Coding change: c.488G>C on transcript NM_005431.2 (MANE Select); coding-DNA position 488, G replaced by C.
Protein change: p.Gly163Ala; replaces glycine 163 with alanine.
Molecular consequence: missense variant.
Genome position (GRCh38, 1-based): chr7:152,648,997, C>G on the plus strand (G>C on the coding strand, the complement: XRCC2 is on the minus strand). VCF-style: chr7-152648997-C-G. GRCh37 (hg19) VCF-style: chr7-152346082-C-G.
Other names: short protein forms G163A.
Identifiers: ClinVar variation 3224681 (VCV003224681.1), dbSNP rs375991730, ClinGen allele CA4582340.